The following is an entry in ClinVar:

NM_000059.4(BRCA2):c.3003A>T (p.Ser1001=)

Gene: BRCA2 (BRCA2 DNA repair associated; plus strand). Cytogenetic location: 13q13.1.
Variant type: single nucleotide variant.
Coding change: c.3003A>T on transcript NM_000059.4 (MANE Select); coding-DNA position 3003, A replaced by T.
Protein change: p.Ser1001=; no amino-acid change (serine 1001 retained).
Molecular consequence: synonymous variant.
Genome position (GRCh38, 1-based): chr13:32,337,358, A>T. VCF-style: chr13-32337358-A-T. GRCh37 (hg19) VCF-style: chr13-32911495-A-T.
Identifiers: ClinVar variation 187256 (VCV000187256.23), dbSNP rs786203591, ClinGen allele CA017021.

ClinVar aggregate classification (germline): Likely benign. Review status: reviewed by expert panel (3 of 4 stars). 6 submissions from 6 submitters: Likely benign (1). 5 of the submissions do not count toward it. Last evaluated 2017-06-29.

Conditions:
Hereditary breast ovarian cancer syndrome. Also called: Hereditary breast and ovarian cancer; Hereditary breast and ovarian cancer syndrome; Breast and ovarian cancer; Hereditary breast and ovarian cancer syndrome (HBOC); Hereditary breast and/or ovarian cancer syndrome; BRCA1- and BRCA2-Associated Hereditary Breast and Ovarian Cancer. Identifiers: Orphanet 145, MedGen C0677776, MeSH D061325, MONDO:0003582. Disease mechanism: loss of function.
Hereditary cancer-predisposing syndrome. Also called: Hereditary Cancer Syndrome; Neoplastic Syndromes, Hereditary; Tumor predisposition; Hereditary neoplastic syndrome. Identifiers: Orphanet 140162, MedGen C0027672, MeSH D009386, MONDO:0015356.
Breast-ovarian cancer, familial, susceptibility to, 2 (BROVCA2). Also called: BRCA2 Hereditary Breast and Ovarian Cancer. Identifiers: Orphanet 145, MedGen C2675520, MONDO:0012933, OMIM 612555. Disease mechanism: loss of function.
Malignant tumor of breast. Also called: Cancer breast; Malignant breast neoplasm. Identifiers: MedGen C0006142, MONDO:0007254. Disease mechanism: loss of function.

Submissions (6):

Evidence-based Network for the Interpretation of Germline Mutant Alleles (ENIGMA)
Classification: Likely benign for Breast-ovarian cancer, familial, susceptibility to, 2. Last evaluated: 2017-06-29. Review status: reviewed by expert panel. Criteria: ENIGMA BRCA1/2 Classification Criteria (2017-06-29). Collection method: curation. Allele origin: germline.
Comment: Synonymous substitution variant, with low bioinformatic likelihood to result in a splicing aberration (Splicing prior probability 0.02).

Labcorp Genetics (formerly Invitae), Labcorp
Classification: Likely benign for Hereditary breast ovarian cancer syndrome. Last evaluated: 2025-12-09. Review status: criteria provided, single submitter. Criteria: Invitae Variant Classification Sherloc (09022015). Collection method: clinical testing. Allele origin: germline. Not counted in ClinVar's aggregate classification.

Women's Health and Genetics/Laboratory Corporation of America, LabCorp
Classification: Likely benign. Last evaluated: 2024-12-06. Review status: criteria provided, single submitter. Criteria: LabCorp Variant Classification Summary - May 2015. Collection method: clinical testing. Allele origin: germline. Not counted in ClinVar's aggregate classification.

Color Diagnostics, LLC DBA Color Health
Classification: Likely benign for Hereditary cancer-predisposing syndrome. Last evaluated: 2017-03-08. Review status: criteria provided, single submitter. Criteria: ACMG Guidelines, 2015. Collection method: clinical testing. Allele origin: germline. Not counted in ClinVar's aggregate classification.

Ambry Genetics
Classification: Likely benign for Hereditary cancer-predisposing syndrome. Last evaluated: 2014-11-26. Review status: criteria provided, single submitter. Criteria: Ambry Variant Classification Scheme 2023. Collection method: clinical testing. Allele origin: germline. Not counted in ClinVar's aggregate classification.

Department of Pathology and Laboratory Medicine, Sinai Health System
Classification: Likely benign for Malignant tumor of breast. Review status: no assertion criteria provided. Collection method: clinical testing. Allele origin: unknown. Affected: yes. Study: The Canadian Open Genetics Repository (COGR). Not counted in ClinVar's aggregate classification.
Comment: The p.Ser1001Ser variant is not expected to have clinical significance because it does not result in a change of amino acid and is not located in a known consensus splice site. The variant was not identified in the literature nor was it identified in the dbSNP, Exome Variant Server ESP Project, HGMD, UMD, BIC, or LOVD databases. The p.Ser1001 residue is also poorly conserved in mammals and lower organisms increasing the likelihood it does not have an important functional role. In summary, based on the above information, the clinical significance of this variant cannot be determined with certainty at this time although we would lean towards a more benign role for this variant. This variant is classified as predicted benign.